The following is an entry in ClinVar:

ClinVar aggregate classification (germline): Likely benign. Review status: criteria provided, multiple submitters, no conflicts (2 of 4 stars). 3 submissions from 3 submitters: Likely benign (2). 1 of the submissions does not count toward it. Last evaluated 2026-01-05.

Conditions:
TBCK-related disorder. Also called: TBCK-related condition; TBCK-related disorders.

Allele frequency attached by ClinVar (database versions not stated): TOPMed 0.00018; gnomAD 0.00020 and 0.00021; gnomAD exomes 0.00024 and 0.00025; ExAC 0.00028; ESP Exome Variant Server 0.00038.
gnomAD v4.1: 357 of 1,502,320 alleles (0.024%); highest among the groups gnomAD compares: Non-Finnish European, 0.03%; 1 homozygote.

Submissions (3):

Labcorp Genetics (formerly Invitae), Labcorp
Classification: Likely benign. Last evaluated: 2026-01-05. Review status: criteria provided, single submitter. Criteria: Invitae Variant Classification Sherloc (09022015). Collection method: clinical testing. Allele origin: germline.

Blueprint Genetics
Classification: Likely benign. Last evaluated: 2024-10-11. Review status: criteria provided, single submitter. Criteria: ACMG Guidelines, 2015. Collection method: clinical testing. Allele origin: germline.

PreventionGenetics, part of Exact Sciences
Classification: Likely benign for TBCK-related condition. Last evaluated: 2019-09-10. Review status: no assertion criteria provided. Collection method: clinical testing. Allele origin: germline. Not counted in ClinVar's aggregate classification.
Comment: This variant is classified as likely benign based on ACMG/AMP sequence variant interpretation guidelines (Richards et al. 2015 PMID: 25741868, with internal and published modifications).

NM_001163435.3(TBCK):c.1898-10C>T

Gene: TBCK (TBC1 domain containing kinase; minus strand). Cytogenetic location: 4q24.
Variant type: single nucleotide variant.
Coding change: c.1898-10C>T on transcript NM_001163435.3 (MANE Select); 10 bases into the intron before coding-DNA position 1898, C replaced by T.
Molecular consequence: intron variant.
Genome position (GRCh38, 1-based): chr4:106,193,780, G>A on the plus strand (C>T on the coding strand, the complement: TBCK is on the minus strand). VCF-style: chr4-106193780-G-A. GRCh37 (hg19) VCF-style: chr4-107114937-G-A.
Other names: c.1898-10C>T (NM_001163436.4); c.1709-10C>T (NM_033115.5); c.1781-10C>T (NM_001163437.3); c.1382-10C>T (NM_001290768.2).
Identifiers: ClinVar variation 741484 (VCV000741484.11), dbSNP rs374606663, ClinGen allele CA3034855.
Genomic context (GRCh38, chr4:106,193,780, plus strand): 5'-CAAGTAGTAAGGTATCCCAGAGGTGGAAAATTTTGTGTAGTGGAAATACATCTGTAAAAC[G>A]ATAAAAATACAAATAAATTAAAAAACCAAAATAACAATTAAAACAATAACAACTTACTTT-3'